The following is an entry in ClinVar:

NM_005236.3(ERCC4):c.2290A>G (p.Ser764Gly)

Gene: ERCC4 (ERCC excision repair 4, endonuclease catalytic subunit; plus strand). Cytogenetic location: 16p13.12.
Variant type: single nucleotide variant.
Coding change: c.2290A>G on transcript NM_005236.3 (MANE Select); coding-DNA position 2290, A replaced by G.
Protein change: p.Ser764Gly; replaces serine 764 with glycine.
Molecular consequence: missense variant.
Genome position (GRCh38, 1-based): chr16:13,947,886, A>G. VCF-style: chr16-13947886-A-G. GRCh37 (hg19) VCF-style: chr16-14041743-A-G.
Other names: short protein forms S764G.
Identifiers: ClinVar variation 864299 (VCV000864299.11), dbSNP rs146764714, ClinGen allele CA7910718.
Genomic context (GRCh38, chr16:13,947,886, plus strand): 5'-CAGTGCATCTCCATGTCCCGCTACTACAAGCGTCCCGTGCTTCTGATTGAGTTTGACCCT[A>G]GCAAGCCTTTCTCTCTCACTTCCCGAGGTGCCTTGTTTCAGGAGATCTCCAGCAATGACA-3'
Protein context (NP_005227.1, residues 754-774): RPVLLIEFDP[Ser764Gly]KPFSLTSRGA

ClinVar aggregate classification (germline): Uncertain significance. Review status: criteria provided, multiple submitters, no conflicts (2 of 4 stars). 4 submissions from 4 submitters: Uncertain significance (4). Last evaluated 2024-12-19.

Conditions:
Cockayne syndrome. Identifiers: Orphanet 191, MedGen C0009207, MONDO:0016006.
Xeroderma pigmentosum, group F (XPF). Also called: XERODERMA PIGMENTOSUM, COMPLEMENTATION GROUP F; XERODERMA PIGMENTOSUM VI; XP, GROUP F; XERODERMA PIGMENTOSUM, TYPE F; Xeroderma pigmentosum, type 6; ERCC4-Related Xeroderma Pigmentosum. Identifiers: MedGen C0268140, MONDO:0010215, OMIM 278760.
Fanconi anemia complementation group Q. Identifiers: Orphanet 84, MedGen C3808988, MONDO:0014108, OMIM 615272.
XFE progeroid syndrome (XFEPS). Also called: XPF-ERCC1 PROGEROID SYNDROME. Identifiers: MedGen C1970416, MONDO:0012590, OMIM 610965.

Allele frequency attached by ClinVar (database versions not stated): gnomAD exomes 0.00004 and 0.00016; TOPMed 0.00004; ExAC 0.00005; gnomAD 0.00008 and 0.00009; ESP Exome Variant Server 0.00023.

Submissions (4):

GeneDx
Classification: Uncertain significance. Last evaluated: 2024-12-19. Review status: criteria provided, single submitter. Criteria: GeneDx Variant Classification Process June 2021. Collection method: clinical testing. Allele origin: germline. Affected: yes.
Comment: In silico analysis indicates that this missense variant does not alter protein structure/function; Has not been previously published as pathogenic or benign to our knowledge

Labcorp Genetics (formerly Invitae), Labcorp
Classification: Uncertain significance for Fanconi anemia complementation group Q; Xeroderma pigmentosum, group F; Cockayne syndrome. Last evaluated: 2023-08-24. Review status: criteria provided, single submitter. Criteria: Invitae Variant Classification Sherloc (09022015). Collection method: clinical testing. Allele origin: germline.
Comment: This sequence change replaces serine, which is neutral and polar, with glycine, which is neutral and non-polar, at codon 764 of the ERCC4 protein (p.Ser764Gly). This variant is present in population databases (rs146764714, gnomAD 0.02%). This variant has not been reported in the literature in individuals affected with ERCC4-related conditions. ClinVar contains an entry for this variant (Variation ID: 864299). Advanced modeling of protein sequence and biophysical properties (such as structural, functional, and spatial information, amino acid conservation, physicochemical variation, residue mobility, and thermodynamic stability) performed at Invitae indicates that this missense variant is not expected to disrupt ERCC4 protein function. In summary, the available evidence is currently insufficient to determine the role of this variant in disease. Therefore, it has been classified as a Variant of Uncertain Significance.

Department of Pathology and Laboratory Medicine, Sinai Health System
Classification: Uncertain significance for Xeroderma pigmentosum, group F; XFE progeroid syndrome; Fanconi anemia complementation group Q. Last evaluated: 2021-08-11. Review status: criteria provided, single submitter. Criteria: ACMG Guidelines, 2015. Collection method: research. Allele origin: germline.

Genetic Services Laboratory, University of Chicago
Classification: Uncertain significance. Last evaluated: 2019-09-04. Review status: criteria provided, single submitter. Criteria: ACMG Guidelines, 2015. Collection method: clinical testing. Allele origin: germline. Affected: no.